The following is an entry in ClinVar:

ClinVar aggregate classification (germline): Uncertain significance (0 of 4 stars; one submission).

Allele frequency attached by ClinVar (database versions not stated): gnomAD exomes 0.00001; ExAC 0.00002.
gnomAD v4.1: 9 of 1,613,770 alleles (0.00056%); highest among the groups gnomAD compares: Non-Finnish European, 0.00076%; 1 homozygote.

Submission:

Department of Pathology and Laboratory Medicine, Sinai Health System
Classification: Uncertain significance. Review status: no assertion criteria provided. Collection method: clinical testing. Allele origin: unknown. Affected: yes. Study: The Canadian Open Genetics Repository (COGR).
Comment: The TTN p.Asp28350Tyr variant was not identified in the literature nor was it identified in ClinVar or LOVD 3.0. The variant was identified in dbSNP (ID: rs781654770) and in control databases in 2 of 248788 chromosomes at a frequency of 0.000008039 (Genome Aggregation Database March 6, 2019, v2.1.1). The variant was observed in the European (non-Finnish) population in 2 of 112692 chromosomes (freq: 0.000018), but was not observed in the African, Latino, Ashkenazi Jewish, East Asian, European (Finnish), Other, or South Asian populations. The p.Asp28350 residue is conserved across mammals and other organisms, and computational analyses (PolyPhen-2, SIFT, AlignGVGD, BLOSUM, MutationTaster) suggest that the variant may impact the protein; however, this information is not predictive enough to assume pathogenicity. The variant occurs outside of the splicing consensus sequence and 2 of 4 in silico or computational prediction software programs (SpliceSiteFinder, MaxEntScan, NNSPLICE, GeneSplicer) predict a greater than 10% difference in splicing; this is not very predictive of pathogenicity. In summary, based on the above information the clinical significance of this variant cannot be determined with certainty at this time. This variant is classified as a variant of uncertain significance.

NM_001267550.2(TTN):c.92752G>T (p.Asp30918Tyr)

Genes: TTN (titin; minus strand), TTN-AS1 (TTN antisense RNA 1; plus strand). Cytogenetic location: 2q31.2.
Variant type: single nucleotide variant.
Coding change: c.92752G>T on transcript NM_001267550.2 (MANE Select); coding-DNA position 92752, G replaced by T.
Protein change: p.Asp30918Tyr; replaces aspartic acid 30918 with tyrosine.
Molecular consequence: missense variant.
Genome position (GRCh38, 1-based): chr2:178,548,874, C>A on the plus strand (G>T on the coding strand, the complement: TTN is on the minus strand). VCF-style: chr2-178548874-C-A. GRCh37 (hg19) VCF-style: chr2-179413601-C-A.
Other names: c.87829G>T, p.Asp29277Tyr (NM_001256850.1); c.65557G>T, p.Asp21853Tyr (NM_003319.4); c.85048G>T, p.Asp28350Tyr (NM_133378.4); c.65932G>T, p.Asp21978Tyr (NM_133432.3); c.66133G>T, p.Asp22045Tyr (NM_133437.4); short protein forms D21853Y, D21978Y, D22045Y, D28350Y, D29277Y, D30918Y.
Identifiers: ClinVar variation 1048929 (VCV001048929.1), dbSNP rs781654770, ClinGen allele CA1987411.